The following is an entry in ClinVar:

NM_001385012.1(NBEA):c.61G>A (p.Ala21Thr)

Gene: NBEA (neurobeachin; plus strand). Cytogenetic location: 13q13.3.
Variant type: single nucleotide variant.
Coding change: c.61G>A on transcript NM_001385012.1 (MANE Select); coding-DNA position 61, G replaced by A.
Protein change: p.Ala21Thr; replaces alanine 21 with threonine.
Molecular consequence: missense variant.
Genome position (GRCh38, 1-based): chr13:34,942,881, G>A. VCF-style: chr13-34942881-G-A. GRCh37 (hg19) VCF-style: chr13-35517018-G-A.
Other names: c.61G>A, p.Ala21Thr (NM_001379245.1, NM_015678.5); short protein forms A21T.
Identifiers: ClinVar variation 3363598 (VCV003363598.1).

ClinVar aggregate classification (germline): Uncertain significance (1 of 4 stars; one submission).

Submission:

GeneDx
Classification: Uncertain significance. Last evaluated: 2023-11-08. Review status: criteria provided, single submitter. Criteria: GeneDx Variant Classification Process June 2021. Collection method: clinical testing. Allele origin: germline. Affected: yes.
Comment: Not observed at significant frequency in large population cohorts (gnomAD); In silico analysis supports that this missense variant does not alter protein structure/function; Has not been previously published as pathogenic or benign to our knowledge